The following is an entry in ClinVar:

NM_178857.6(RP1L1):c.388C>T (p.Arg130Trp)

Gene: RP1L1 (RP1 like 1). Cytogenetic location: 8p23.1.
Variant type: single nucleotide variant.
Coding change: c.388C>T on transcript NM_178857.6 (MANE Select); coding-DNA position 388, C replaced by T.
Protein change: p.Arg130Trp; replaces arginine 130 with tryptophan.
Molecular consequence: missense variant.
Genome position (GRCh38, 1-based): chr8:10,622,814, G>A on the plus strand (C>T on the coding strand, the complement: RP1L1 is on the minus strand). VCF-style: chr8-10622814-G-A. GRCh37 (hg19) VCF-style: chr8-10480324-G-A.
Other names: c.388C>T (NM_178857.5); short protein forms R130W.
Identifiers: ClinVar variation 2889906 (VCV002889906.6), dbSNP rs772719903, ClinGen allele CA4625729.

ClinVar aggregate classification (germline): Uncertain significance. Review status: criteria provided, multiple submitters, no conflicts (2 of 4 stars). 4 submissions from 4 submitters: Uncertain significance (3). 1 of the submissions does not count toward it. Last evaluated 2026-03-26.

Conditions:
RP1L1-related disorder. Also called: RP1L1-related condition.
Retinal dystrophy. Also called: Inherited retinal dystrophy. Identifiers: Orphanet 71862, MedGen C0854723, MeSH D058499, MONDO:0019118, HP:0000556.
Occult macular dystrophy (OCMD). Also called: OCCULT MACULAR DYSTROPHY, SUSCEPTIBILITY TO; OMD. Identifiers: Orphanet 247834, MedGen C3150833, MONDO:0013316, OMIM 613587, HP:0030636.
Retinitis pigmentosa 88. Identifiers: MedGen C5394208, MONDO:0032940, OMIM 618826.

Allele frequency attached by ClinVar (database versions not stated): ExAC 0.00003; TOPMed 0.00005.

Submissions (4):

PreventionGenetics, part of Exact Sciences
Classification: Uncertain significance for RP1L1-related condition. Last evaluated: 2026-03-26. Review status: criteria provided, single submitter. Criteria: ACMG Guidelines, 2015. Collection method: clinical testing. Allele origin: germline.
Comment: The RP1L1 c.388C>T variant is predicted to result in the amino acid substitution p.Arg130Trp. To our knowledge, this variant has not been reported in the literature. This variant is present in 0.0065% of alleles in individuals of South Asian descent in gnomAD. At this time, the clinical significance of this variant is uncertain due to the absence of conclusive functional and genetic evidence.

Labcorp Genetics (formerly Invitae), Labcorp
Classification: Uncertain significance. Last evaluated: 2024-08-27. Review status: criteria provided, single submitter. Criteria: Invitae Variant Classification Sherloc (09022015). Collection method: clinical testing. Allele origin: germline.
Comment: This sequence change replaces arginine, which is basic and polar, with tryptophan, which is neutral and slightly polar, at codon 130 of the RP1L1 protein (p.Arg130Trp). This variant is present in population databases (rs772719903, gnomAD 0.007%). This variant has not been reported in the literature in individuals affected with RP1L1-related conditions. Invitae Evidence Modeling of protein sequence and biophysical properties (such as structural, functional, and spatial information, amino acid conservation, physicochemical variation, residue mobility, and thermodynamic stability) indicates that this missense variant is not expected to disrupt RP1L1 protein function with a negative predictive value of 80%. In summary, the available evidence is currently insufficient to determine the role of this variant in disease. Therefore, it has been classified as a Variant of Uncertain Significance.

Department of Pathology and Laboratory Medicine, Sinai Health System
Classification: Uncertain significance for Occult macular dystrophy; Retinitis pigmentosa 88. Last evaluated: 2023-02-21. Review status: criteria provided, single submitter. Criteria: ACMG Guidelines, 2015. Collection method: research. Allele origin: germline.

Institute of Human Genetics, Univ. Regensburg, Univ. Regensburg
Classification: Uncertain significance for Retinal dystrophy. Last evaluated: 2023-01-01. Review status: no assertion criteria provided. Criteria: ACMG Guidelines, 2015. Collection method: clinical testing. Allele origin: germline. Affected: yes. Not counted in ClinVar's aggregate classification.